The following is an entry in ClinVar:

NM_000179.3(MSH6):c.3260C>T (p.Pro1087Leu)

Gene: MSH6 (mutS homolog 6; plus strand). Cytogenetic location: 2p16.3.
Variant type: single nucleotide variant.
Coding change: c.3260C>T on transcript NM_000179.3 (MANE Select); coding-DNA position 3260, C replaced by T.
Protein change: p.Pro1087Leu; replaces proline 1087 with leucine.
Molecular consequence: missense variant.
Genome position (GRCh38, 1-based): chr2:47,803,507, C>T. VCF-style: chr2-47803507-C-T. GRCh37 (hg19) VCF-style: chr2-48030646-C-T.
Other names: c.2870C>T, p.Pro957Leu (NM_001281492.2); c.2354C>T, p.Pro785Leu (NM_001281493.2, NM_001281494.2); short protein forms P1087L, P957L, P785L.
Identifiers: ClinVar variation 186739 (VCV000186739.20), dbSNP rs63750753, ClinGen allele CA012288.
Genomic context (GRCh38, chr2:47,803,507, plus strand): 5'-GTCGAGGGGGTGATGGTCCTATGTGTCGCCCAGTAATTCTGTTGCCGGAAGATACCCCCC[C>T]CTTCTTAGAGCTTAAAGGATCACGCCATCCTTGCATTACGAAGACTTTTTTTGGAGATGA-3'
Protein context (NP_000170.1, residues 1077-1097): PVILLPEDTP[Pro1087Leu]FLELKGSRHP

ClinVar aggregate classification (germline): Conflicting classifications of pathogenicity. Review status: criteria provided, conflicting classifications (1 of 4 stars). 5 submissions from 5 submitters: Uncertain significance (4); Likely benign (1). Last evaluated 2026-04-17.

Conditions:
Hereditary nonpolyposis colorectal neoplasms. Identifiers: MedGen C0009405, MeSH D003123.
Hereditary cancer-predisposing syndrome. Also called: Hereditary Cancer Syndrome; Hereditary neoplastic syndrome; Tumor predisposition; Neoplastic Syndromes, Hereditary. Identifiers: Orphanet 140162, MedGen C0027672, MeSH D009386, MONDO:0015356.
Breast-ovarian cancer, familial, susceptibility to, 1 (BROVCA1). Also called: OVARIAN CANCER, SUSCEPTIBILITY TO; BRCA1 Hereditary Breast and Ovarian Cancer. Identifiers: Orphanet 145, MedGen C2676676, MONDO:0011450, OMIM 604370. Disease mechanism: loss of function.

gnomAD v4.1: 11 of 1,614,146 alleles (0.00068%); highest among the groups gnomAD compares: African/African-American, 0.0027%; no homozygotes.

Submissions (5):

Institute of Immunology and Genetics Kaiserslautern
Classification: Uncertain significance for Breast-ovarian cancer, familial, susceptibility to, 1. Last evaluated: 2026-04-17. Review status: criteria provided, single submitter. Criteria: ACMG Guidelines, 2015. Collection method: clinical testing. Allele origin: germline. Affected: yes.
Comment: ACMG Criteria: PM2_P, PP3; Variant was found in heterozygous state.

Labcorp Genetics (formerly Invitae), Labcorp
Classification: Likely benign for Hereditary nonpolyposis colorectal neoplasms. Last evaluated: 2025-08-14. Review status: criteria provided, single submitter. Criteria: Invitae Variant Classification Sherloc (09022015). Collection method: clinical testing. Allele origin: germline.

GeneDx
Classification: Uncertain significance. Last evaluated: 2024-05-13. Review status: criteria provided, single submitter. Criteria: GeneDx Variant Classification Process June 2021. Collection method: clinical testing. Allele origin: germline. Affected: yes.
Comment: Not observed at significant frequency in large population cohorts (gnomAD); In silico analysis supports that this missense variant has a deleterious effect on protein structure/function; Has not been previously published as pathogenic or benign to our knowledge; This variant is associated with the following publications: (PMID: 17531815, 21120944)

Ambry Genetics
Classification: Uncertain significance for Hereditary cancer-predisposing syndrome. Last evaluated: 2023-05-22. Review status: criteria provided, single submitter. Criteria: Ambry Variant Classification Scheme 2023. Collection method: clinical testing. Allele origin: germline.
Comment: The p.P1087L variant (also known as c.3260C>T), located in coding exon 5 of the MSH6 gene, results from a C to T substitution at nucleotide position 3260. The proline at codon 1087 is replaced by leucine, an amino acid with similar properties. This amino acid position is well conserved in available vertebrate species. In addition, the in silico prediction for this alteration is inconclusive. Since supporting evidence is limited at this time, the clinical significance of this alteration remains unclear.

Color Diagnostics, LLC DBA Color Health
Classification: Uncertain significance for Hereditary cancer-predisposing syndrome. Last evaluated: 2020-02-24. Review status: criteria provided, single submitter. Criteria: ACMG Guidelines, 2015. Collection method: clinical testing. Allele origin: germline.
Comment: This missense variant replaces proline with leucine at codon 1087 of the MSH6 protein. Computational prediction suggests that this variant may have deleterious impact on protein structure and function (internally defined REVEL score threshold >= 0.7, PMID: 27666373). Splice site prediction tools suggest that this variant may not impact RNA splicing. To our knowledge, functional studies have not been reported for this variant. This variant has not been reported in individuals affected with hereditary cancer in the literature. This variant has been identified in 3/251432 chromosomes in the general population by the Genome Aggregation Database (gnomAD). The available evidence is insufficient to determine the role of this variant in disease conclusively. Therefore, this variant is classified as a Variant of Uncertain Significance.